The following is an entry in ClinVar:

NM_002439.5(MSH3):c.2941dup (p.Thr981fs)

Gene: MSH3 (mutS homolog 3; plus strand). Cytogenetic location: 5q14.1.
Variant type: Duplication.
Coding change: c.2941dup on transcript NM_002439.5 (MANE Select); coding-DNA position 2941, one base duplicated (A; older notation c.2941dupA).
Protein change: p.Thr981fs; shifts the reading frame from threonine 981.
Molecular consequence: frameshift variant.
Genome position (GRCh38, 1-based): chr5:80,854,257, A duplicated. VCF-style (leftmost placement, unchanged base first): chr5-80854256-G-GA. GRCh37 (hg19) VCF-style: chr5-80150075-G-GA.
Other names: c.2941dupA (NM_002439.3); short protein forms T981fs.
Identifiers: ClinVar variation 1456185 (VCV001456185.8), dbSNP rs2112106551, ClinGen allele CA2573139942.
Genomic context (GRCh38, chr5:80,854,256, plus strand): 5'-AGAAATAATCAGAAAAGCAACATCACAGTCCTTGGTTATCTTGGATGAACTAGGAAGAGG[G>GA]ACGAGCACTCATGATGGAATTGCCATTGCCTATGCTACACTTGAGTATTTCATCAGAGAT-3'

ClinVar aggregate classification (germline): Pathogenic. Review status: criteria provided, multiple submitters, no conflicts (2 of 4 stars). 3 submissions from 3 submitters: Pathogenic (3). Last evaluated 2026-02-03.

Conditions:
Hereditary cancer-predisposing syndrome. Also called: Neoplastic Syndromes, Hereditary; Tumor predisposition; Hereditary Cancer Syndrome; Hereditary neoplastic syndrome. Identifiers: Orphanet 140162, MedGen C0027672, MeSH D009386, MONDO:0015356.
Familial adenomatous polyposis 4 (FAP4). Also called: MSH3-related attenuated familial adenomatous polyposis. Identifiers: Orphanet 480536, MedGen C4310719, MONDO:0044300, OMIM 617100.

Submissions (3):

Ambry Genetics
Classification: Pathogenic for Hereditary cancer-predisposing syndrome. Last evaluated: 2026-02-03. Review status: criteria provided, single submitter. Criteria: Ambry Variant Classification Scheme 2023. Collection method: clinical testing. Allele origin: germline.
Comment: The c.2941dupA pathogenic mutation, located in coding exon 21 of the MSH3 gene, results from a duplication of A at nucleotide position 2941, causing a translational frameshift with a predicted alternate stop codon (p.T981Nfs*5). This variant is considered to be rare based on population cohorts in the Genome Aggregation Database (gnomAD). This alteration is expected to result in loss of function by premature protein truncation or nonsense-mediated mRNA decay. As such, this alteration is interpreted as a disease-causing mutation.

Myriad Genetics, Inc.
Classification: Pathogenic for Familial adenomatous polyposis 4. Last evaluated: 2024-02-07. Review status: criteria provided, single submitter. Criteria: Myriad Autosomal Dominant, Autosomal Recessive and X-Linked Classification Criteria (2023). Collection method: clinical testing. Allele origin: unknown.
Comment: This variant is considered pathogenic. This variant creates a frameshift predicted to result in premature protein truncation.

Labcorp Genetics (formerly Invitae), Labcorp
Classification: Pathogenic. Last evaluated: 2021-02-03. Review status: criteria provided, single submitter. Criteria: Invitae Variant Classification Sherloc (09022015). Collection method: clinical testing. Allele origin: germline.
Comment: For these reasons, this variant has been classified as Pathogenic. This variant has not been reported in the literature in individuals with MSH3-related conditions. This variant is not present in population databases (ExAC no frequency). This sequence change creates a premature translational stop signal (p.Thr981Asnfs*5) in the MSH3 gene. It is expected to result in an absent or disrupted protein product. Loss-of-function variants in MSH3 are known to be pathogenic (PMID: 27476653).

Literature cited by the submitters: PubMed 27476653 (cited by Labcorp Genetics (formerly Invitae), Labcorp).